The following is an entry in ClinVar:

ClinVar aggregate classification (germline): Uncertain significance. Review status: criteria provided, multiple submitters, no conflicts (2 of 4 stars). 2 submissions from 2 submitters: Uncertain significance (2). Last evaluated 2026-07-06.

Conditions:
Hereditary cancer-predisposing syndrome. Also called: Tumor predisposition; Hereditary Cancer Syndrome; Hereditary neoplastic syndrome; Neoplastic Syndromes, Hereditary. Identifiers: Orphanet 140162, MedGen C0027672, MeSH D009386, MONDO:0015356.

Submissions (2):

Ambry Genetics
Classification: Uncertain significance for Hereditary cancer-predisposing syndrome. Last evaluated: 2026-07-06. Review status: criteria provided, single submitter. Criteria: Ambry Variant Classification Scheme 2023. Collection method: clinical testing. Allele origin: germline.
Comment: The p.I769L variant (also known as c.2305A>C), located in coding exon 9 of the BRCA1 gene, results from an A to C substitution at nucleotide position 2305. The isoleucine at codon 769 is replaced by leucine, an amino acid with highly similar properties. This amino acid position is conserved. In addition, this alteration is predicted to be tolerated by in silico analysis. Based on the available evidence, the clinical significance of this variant remains unclear.

GeneDx
Classification: Uncertain significance. Last evaluated: 2023-07-28. Review status: criteria provided, single submitter. Criteria: GeneDx Variant Classification Process June 2021. Collection method: clinical testing. Allele origin: germline. Affected: yes.
Comment: Not observed at significant frequency in large population cohorts (gnomAD); In silico analysis supports that this missense variant does not alter protein structure/function; Has not been previously published as pathogenic or benign to our knowledge; Also known as 2424A>C; This variant is associated with the following publications: (PMID: 15343273)

NM_007294.4(BRCA1):c.2305A>C (p.Ile769Leu)

Gene: BRCA1 (BRCA1 DNA repair associated; minus strand). Cytogenetic location: 17q21.31.
Variant type: single nucleotide variant.
Coding change: c.2305A>C on transcript NM_007294.4 (MANE Select); coding-DNA position 2305, A replaced by C.
Protein change: p.Ile769Leu; replaces isoleucine 769 with leucine.
Molecular consequence: missense variant. On other transcripts: intron variant (137).
Genome position (GRCh38, 1-based): chr17:43,093,226, T>G on the plus strand (A>C on the coding strand, the complement: BRCA1 is on the minus strand). VCF-style: chr17-43093226-T-G. GRCh37 (hg19) VCF-style: chr17-41245243-T-G.
Other names: c.1417A>C, p.Ile473Leu (NM_001407967.1, NM_001407966.1); c.2164A>C, p.Ile722Leu (NM_007297.4, NM_001407724.1, NM_001407725.1 and 29 more transcripts); c.2305A>C, p.Ile769Leu (NM_007300.4, NM_001407619.1, NM_001407620.1 and 30 more transcripts); c.646+1518A>C (NM_001408458.1, NM_001408469.1, NM_001408453.1 and 11 more transcripts); c.283+1518A>C (NM_001408512.1); c.406+1518A>C (NM_001408510.1); c.643+1518A>C (NM_001408470.1, NM_001408464.1, NM_001408468.1 and 3 more transcripts); c.784+1518A>C (NM_001408397.1, NM_001408401.1, NM_001408396.1 and 13 more transcripts); and 41 more; short protein forms I473L, I601L, I641L, I642L, I657L, I658L, I680L, I681L.
Identifiers: ClinVar variation 3361703 (VCV003361703.2).